The following is an entry in ClinVar:

ClinVar aggregate classification (germline): Benign (1 of 4 stars; one submission).

Conditions:
Familial cancer of breast. Also called: hereditary breast carcinoma; Hereditary breast cancer; BREAST CANCER, FAMILIAL. Identifiers: Orphanet 227535, MedGen C0346153, MONDO:0016419, OMIM 114480. Disease mechanism: loss of function.

Submission:

Myriad Genetics, Inc.
Classification: Benign for Familial cancer of breast. Last evaluated: 2024-07-23. Review status: criteria provided, single submitter. Criteria: Myriad Autosomal Dominant, Autosomal Recessive and X-Linked Classification Criteria (2023). Collection method: clinical testing. Allele origin: unknown.
Comment: This variant is considered benign. This variant is a silent/synonymous amino acid change and it is not expected to impact splicing.

NM_000465.4(BARD1):c.951A>G (p.Glu317=)

Gene: BARD1 (BRCA1 associated RING domain 1; minus strand). Cytogenetic location: 2q35.
Variant type: single nucleotide variant.
Coding change: c.951A>G on transcript NM_000465.4 (MANE Select); coding-DNA position 951, A replaced by G.
Protein change: p.Glu317=; no amino-acid change (glutamic acid 317 retained).
Molecular consequence: synonymous variant. On other transcripts: non-coding transcript variant (2), intron variant (3).
Genome position (GRCh38, 1-based): chr2:214,780,923, T>C on the plus strand (A>G on the coding strand, the complement: BARD1 is on the minus strand). VCF-style: chr2-214780923-T-C. GRCh37 (hg19) VCF-style: chr2-215645647-T-C.
Other names: c.894A>G, p.Glu298= (NM_001282543.2); c.159-28368A>G (NM_001282548.2); c.215+16138A>G (NM_001282545.2); c.364+11374A>G (NM_001282549.2).
Identifiers: ClinVar variation 3378654 (VCV003378654.1).